The following is an entry in ClinVar:

NM_014994.3(MAPKBP1):c.4517G>A (p.Arg1506His)

Gene: MAPKBP1 (mitogen-activated protein kinase binding protein 1; plus strand). Cytogenetic location: 15q15.1.
Variant type: single nucleotide variant.
Coding change: c.4517G>A on transcript NM_014994.3 (MANE Select); coding-DNA position 4517, G replaced by A.
Protein change: p.Arg1506His; replaces arginine 1506 with histidine.
Molecular consequence: missense variant. On other transcripts: non-coding transcript variant (2).
Genome position (GRCh38, 1-based): chr15:41,825,426, G>A. VCF-style: chr15-41825426-G-A. GRCh37 (hg19) VCF-style: chr15-42117624-G-A.
Other names: c.4535G>A (NM_001128608.1); c.4535G>A, p.Arg1512His (NM_001128608.2); c.3686G>A, p.Arg1229His (NM_001265611.2); short protein forms R1229H, R1506H, R1512H.
Identifiers: ClinVar variation 1471838 (VCV001471838.9), dbSNP rs996065990, ClinGen allele CA269757899.

ClinVar aggregate classification (germline): Uncertain significance. Review status: criteria provided, multiple submitters, no conflicts (2 of 4 stars). 2 submissions from 2 submitters: Uncertain significance (2). Last evaluated 2023-12-27.

Conditions:
Inborn genetic diseases. Identifiers: MedGen C0950123, MeSH D030342.

Allele frequency attached by ClinVar (database versions not stated): gnomAD exomes below 0.00001 and 0.00001; TOPMed below 0.00001; gnomAD 0.00001.
gnomAD v4.1: 9 of 1,605,800 alleles (0.00056%); highest among the groups gnomAD compares: Admixed American, 0.0034%; no homozygotes.

Submissions (2):

Ambry Genetics
Classification: Uncertain significance for Inborn genetic diseases. Last evaluated: 2023-12-27. Review status: criteria provided, single submitter. Criteria: Ambry Variant Classification Scheme 2023. Collection method: clinical testing. Allele origin: germline.

Labcorp Genetics (formerly Invitae), Labcorp
Classification: Uncertain significance. Last evaluated: 2021-02-19. Review status: criteria provided, single submitter. Criteria: Invitae Variant Classification Sherloc (09022015). Collection method: clinical testing. Allele origin: germline.
Comment: In summary, the available evidence is currently insufficient to determine the role of this variant in disease. Therefore, it has been classified as a Variant of Uncertain Significance. Algorithms developed to predict the effect of missense changes on protein structure and function (SIFT, PolyPhen-2, Align-GVGD) all suggest that this variant is likely to be tolerated, but these predictions have not been confirmed by published functional studies and their clinical significance is uncertain. This variant has not been reported in the literature in individuals with MAPKBP1-related conditions. This variant is not present in population databases (ExAC no frequency). This sequence change replaces arginine with histidine at codon 1512 of the MAPKBP1 protein (p.Arg1512His). The arginine residue is weakly conserved and there is a small physicochemical difference between arginine and histidine.